The following is an entry in ClinVar:

ClinVar aggregate classification (germline): Pathogenic (1 of 4 stars; one submission).

Conditions:
CHARGE syndrome (CHARGE). Also called: Coloboma, heart anomaly, choanal atresia, retardation, genital and ear anomalies; CHARGE association; Hall-Hittner syndrome; CHARGE ASSOCIATION--COLOBOMA, HEART ANOMALY, CHOANAL ATRESIA, RETARDATION, GENITAL AND EAR ANOMALIES; Hittner Hirsch Kreh syndrome. Identifiers: Orphanet 138, MedGen C0265354, MONDO:0008965.

Submission:

Lupski Lab, Baylor-Hopkins CMG, Baylor College of Medicine
Classification: Pathogenic for CHARGE syndrome. Last evaluated: 2013-12-01. Review status: criteria provided, single submitter. Criteria: Vatta et al. (AJMG 2013). Collection method: research. Allele origin: germline. Affected: yes. Observed: 1 variant allele, 1 heterozygote.

NM_017780.4(CHD7):c.2442+2449_2498+259del

Gene: CHD7 (chromodomain helicase DNA binding protein 7; plus strand). Cytogenetic location: 8q12.2.
Variant type: Deletion.
Coding change: c.2442+2449_2498+259del on transcript NM_017780.4 (MANE Select); 2449 bases into the intron after coding-DNA position 2442 through 259 bases into the intron after coding-DNA position 2498, 4,490 bases deleted.
Molecular consequence: splice acceptor variant, splice donor variant. On other transcripts: intron variant (1).
Genome position (GRCh38, 1-based): chr8:60,804,042-60,808,531, 4,490 bases deleted. GRCh37 (hg19): chr8:61,716,601-61,721,090.
Other names: c.1716+22992_1716+27481del (NM_001316690.1).
Identifiers: ClinVar variation 218417 (VCV000218417.2), ClinGen allele CA339643.